The following is an entry in ClinVar:

NM_001267550.2(TTN):c.98051G>A (p.Gly32684Asp)

Genes: TTN (titin; minus strand), TTN-AS1 (TTN antisense RNA 1; plus strand). Cytogenetic location: 2q31.2.
Variant type: single nucleotide variant.
Coding change: c.98051G>A on transcript NM_001267550.2 (MANE Select); coding-DNA position 98051, G replaced by A.
Protein change: p.Gly32684Asp; replaces glycine 32684 with aspartic acid.
Molecular consequence: missense variant. On other transcripts: non-coding transcript variant (1).
Genome position (GRCh38, 1-based): chr2:178,540,115, C>T on the plus strand (G>A on the coding strand, the complement: TTN is on the minus strand). VCF-style: chr2-178540115-C-T. GRCh37 (hg19) VCF-style: chr2-179404842-C-T.
Other names: c.93128G>A, p.Gly31043Asp (NM_001256850.1); c.70856G>A, p.Gly23619Asp (NM_003319.4); c.90347G>A, p.Gly30116Asp (NM_133378.4); c.71231G>A, p.Gly23744Asp (NM_133432.3); c.71432G>A, p.Gly23811Asp (NM_133437.4); short protein forms G23619D, G23744D, G23811D, G30116D, G31043D, G32684D.
Identifiers: ClinVar variation 2442890 (VCV002442890.3), dbSNP rs774041992, ClinGen allele CA349435035.

ClinVar aggregate classification (germline): Uncertain significance. Review status: criteria provided, multiple submitters, no conflicts (2 of 4 stars). 2 submissions from 2 submitters: Uncertain significance (2). Last evaluated 2024-10-09.

Conditions:
TTN-related disorder. Also called: TTN-related condition; TTN-related disease; TTN-related disorders.
Cardiomyopathy (CMYO). Also called: Cardiomyopathies. Identifiers: Orphanet 167848, MedGen C0878544, MONDO:0004994, HP:0001638. Inheritance: Various modes of inheritance.

gnomAD v4.1: 6 of 1,610,608 alleles (0.00037%); highest among the groups gnomAD compares: Admixed American, 0.0017%; no homozygotes.

Submissions (2):

PreventionGenetics, part of Exact Sciences
Classification: Uncertain significance for TTN-related condition. Last evaluated: 2024-10-09. Review status: criteria provided, single submitter. Criteria: ACMG Guidelines, 2015. Collection method: clinical testing. Allele origin: germline.
Comment: The TTN c.98051G>A variant is predicted to result in the amino acid substitution p.Gly32684Asp. To our knowledge, this variant has not been reported in the literature. This variant is reported in 0.00089% of alleles in individuals of European (Non-Finnish) descent in gnomAD. At this time, the clinical significance of this variant is uncertain due to the absence of conclusive functional and genetic evidence.

CHEO Genetics Diagnostic Laboratory, Children's Hospital of Eastern Ontario
Classification: Uncertain significance for Cardiomyopathy. Last evaluated: 2021-06-16. Review status: criteria provided, single submitter. Criteria: ACMG Guidelines, 2015. Collection method: clinical testing. Allele origin: germline.